The following is an entry in ClinVar:

ClinVar aggregate classification (germline): Uncertain significance (1 of 4 stars; one submission).

Submission:

Women's Health and Genetics/Laboratory Corporation of America, LabCorp
Classification: Uncertain significance. Last evaluated: 2026-01-12. Review status: criteria provided, single submitter. Criteria: LabCorp Variant Classification Summary - May 2015. Collection method: clinical testing. Allele origin: germline.
Comment: Variant summary: STAT5B c.1627A>G (p.Ser543Gly) results in a non-conservative amino acid change in the encoded protein sequence. Algorithms developed to predict the effect of missense changes on protein structure and function are either unavailable or do not agree on the potential impact of this missense change. The variant was absent in 250728 control chromosomes. The available data on variant occurrences in the general population are insufficient to allow any conclusion about variant significance. To our knowledge, no occurrence of c.1627A>G in individuals affected with STAT5B-related conditions and no experimental evidence demonstrating its impact on protein function have been reported. No submitters have cited clinical-significance assessments for this variant to ClinVar. Based on the evidence outlined above, the variant was classified as uncertain significance.

NM_012448.4(STAT5B):c.1627A>G (p.Ser543Gly)

Gene: STAT5B (signal transducer and activator of transcription 5B; minus strand). Cytogenetic location: 17q21.2.
Variant type: single nucleotide variant.
Coding change: c.1627A>G on transcript NM_012448.4 (MANE Select); coding-DNA position 1627, A replaced by G.
Protein change: p.Ser543Gly; replaces serine 543 with glycine.
Molecular consequence: missense variant.
Genome position (GRCh38, 1-based): chr17:42,212,037, T>C on the plus strand (A>G on the coding strand, the complement: STAT5B is on the minus strand). VCF-style: chr17-42212037-T-C. GRCh37 (hg19) VCF-style: chr17-40364055-T-C.
Other names: short protein forms S543G.
Identifiers: ClinVar variation 4689465 (VCV004689465.1).
Genomic context (GRCh38, chr17:42,212,037, plus strand): 5'-TCCTCACCCTGTTGAACTGGGACCAGGACACAGACAGGCCACTGTAGTCCTCCAGGTGGC[T>C]GCTGCTGTTGTTGAACAGTTTCTGCGCCAGGAACACGAGGTTCTCCTTGGTCAGGCCCCG-3'
Protein context (NP_036580.2, residues 533-553): LAQKLFNNSS[Ser543Gly]HLEDYSGLSV